The following is an entry in ClinVar:

ClinVar aggregate classification (germline): Uncertain significance (1 of 4 stars; one submission).

gnomAD v4.1: 2 of 1,610,120 alleles (0.00012%); highest among the groups gnomAD compares: Admixed American, 0.0034%; no homozygotes.

Submission:

Labcorp Genetics (formerly Invitae), Labcorp
Classification: Uncertain significance. Last evaluated: 2025-10-27. Review status: criteria provided, single submitter. Criteria: Invitae Variant Classification Sherloc (09022015). Collection method: clinical testing. Allele origin: germline.
Comment: This sequence change replaces phenylalanine, which is neutral and non-polar, with tyrosine, which is neutral and polar, at codon 456 of the TNNI3K protein (p.Phe456Tyr). This variant is present in population databases (rs766654192, gnomAD 0.003%). This variant has not been reported in the literature in individuals affected with TNNI3K-related conditions. ClinVar contains an entry for this variant (Variation ID: 3617862). Invitae Evidence Modeling of protein sequence and biophysical properties (such as structural, functional, and spatial information, amino acid conservation, physicochemical variation, residue mobility, and thermodynamic stability) indicates that this missense variant is not expected to disrupt TNNI3K protein function with a negative predictive value of 80%. In summary, the available evidence is currently insufficient to determine the role of this variant in disease. Therefore, it has been classified as a Variant of Uncertain Significance.

NM_015978.3(TNNI3K):c.1367T>A (p.Phe456Tyr)

Genes: FPGT-TNNI3K (FPGT-TNNI3K readthrough; plus strand), TNNI3K (TNNI3 interacting kinase; plus strand). Cytogenetic location: 1p31.1.
Variant type: single nucleotide variant.
Coding change: c.1367T>A on transcript NM_015978.3 (MANE Select); coding-DNA position 1367, T replaced by A.
Protein change: p.Phe456Tyr; replaces phenylalanine 456 with tyrosine.
Molecular consequence: missense variant.
Genome position (GRCh38, 1-based): chr1:74,369,067, T>A. VCF-style: chr1-74369067-T-A. GRCh37 (hg19) VCF-style: chr1-74834751-T-A.
Other names: c.1670T>A, p.Phe557Tyr (NM_001112808.3, NM_001199327.2); short protein forms F456Y, F557Y.
Identifiers: ClinVar variation 3617862 (VCV003617862.2).
Genomic context (GRCh38, chr1:74,369,067, plus strand): 5'-AATTTCTCTTTGCAGAGAAGGCAGATATTCTCCTCCTAAGAGCTGGATTGCCTTCACATT[T>A]CCATCTTCAGCTCTCAGAAATTGAGTTCCATGAGATTATTGGCTCAGGTAACCTAAAATA-3'
Protein context (NP_057062.1, residues 446-466): LLLRAGLPSH[Phe456Tyr]HLQLSEIEFH